The following is an entry in ClinVar:

NM_001032283.3(TMPO):c.565+1108G>A

Gene: TMPO (thymopoietin; plus strand). Cytogenetic location: 12q23.1.
Variant type: single nucleotide variant.
Coding change: c.565+1108G>A on transcript NM_001032283.3 (MANE Select); 1108 bases into the intron after coding-DNA position 565, G replaced by A.
Molecular consequence: intron variant. On other transcripts: missense variant (1).
Genome position (GRCh38, 1-based): chr12:98,532,946, G>A. VCF-style: chr12-98532946-G-A. GRCh37 (hg19) VCF-style: chr12-98926724-G-A.
Other names: c.689G>A, p.Arg230His (NM_003276.2); c.565+1108G>A (NM_001307975.2, NM_001032284.3); short protein forms R230H.
Identifiers: ClinVar variation 2722843 (VCV002722843.3), dbSNP rs758666714, ClinGen allele CA6732270.

ClinVar aggregate classification (germline): Uncertain significance (1 of 4 stars; one submission).

Conditions:
Loeys-Dietz syndrome 2 (LDS2). Also called: TGFBR2-Related Loeys-Dietz Syndrome; Marfan syndrome, type 2 (formerly); AORTIC ANEURYSM, FAMILIAL THORACIC 3; MARFAN SYNDROME, TYPE II; Marfan Syndrome type 2; Marfan like connective tissue disorder. Identifiers: Orphanet 284973, Orphanet 558, MedGen C2674574, MONDO:0012427, OMIM 610168.

Allele frequency attached by ClinVar (database versions not stated): TOPMed below 0.00001; gnomAD exomes 0.00001; ExAC 0.00002; gnomAD 0.00002.
gnomAD v4.1: 17 of 1,614,032 alleles (0.0011%); highest among the groups gnomAD compares: Middle Eastern, 0.016%; no homozygotes.

Submission:

Labcorp Genetics (formerly Invitae), Labcorp
Classification: Uncertain significance for Loeys-Dietz syndrome 2. Last evaluated: 2025-06-20. Review status: criteria provided, single submitter. Criteria: Invitae Variant Classification Sherloc (09022015). Collection method: clinical testing. Allele origin: germline.
Comment: This sequence change replaces arginine, which is basic and polar, with histidine, which is basic and polar, at codon 230 of the TMPO protein (p.Arg230His). This variant is present in population databases (rs758666714, gnomAD 0.005%). This missense change has been observed in individual(s) with hypertrophic cardiomyopathy (PMID: 30975432). ClinVar contains an entry for this variant (Variation ID: 2722843). Invitae Evidence Modeling of protein sequence and biophysical properties (such as structural, functional, and spatial information, amino acid conservation, physicochemical variation, residue mobility, and thermodynamic stability) indicates that this missense variant is not expected to disrupt TMPO protein function with a negative predictive value of 80%. In summary, the available evidence is currently insufficient to determine the role of this variant in disease. Therefore, it has been classified as a Variant of Uncertain Significance.

Literature cited by the submitters: PubMed 30975432.